The following is an entry in ClinVar:

ClinVar aggregate classification (germline): Benign (1 of 4 stars; one submission).

Allele frequency attached by ClinVar (database versions not stated): 1000 Genomes Project 0.84445; 1000 Genomes Project 30x 0.84494; gnomAD 0.85987 and 0.86234; TOPMed 0.86329.
gnomAD v4.1: 130,788 of 152,140 alleles (86%); highest among the groups gnomAD compares: East Asian, 92%; 56,339 homozygotes.

Submission:

GeneDx
Classification: Benign. Last evaluated: 2018-06-14. Review status: criteria provided, single submitter. Criteria: GeneDx Variant Classification (06012015). Collection method: clinical testing. Allele origin: germline. Affected: yes.
Comment: This variant is considered likely benign or benign based on one or more of the following criteria: it is a conservative change, it occurs at a poorly conserved position in the protein, it is predicted to be benign by multiple in silico algorithms, and/or has population frequency not consistent with disease.

NM_006939.4(SOS2):c.2958+172G>A

Gene: SOS2 (SOS Ras/Rho guanine nucleotide exchange factor 2; minus strand). Cytogenetic location: 14q21.3.
Variant type: single nucleotide variant.
Coding change: c.2958+172G>A on transcript NM_006939.4 (MANE Select); 172 bases into the intron after coding-DNA position 2958, G replaced by A.
Molecular consequence: intron variant.
Genome position (GRCh38, 1-based): chr14:50,138,440, C>T on the plus strand (G>A on the coding strand, the complement: SOS2 is on the minus strand). VCF-style: chr14-50138440-C-T. GRCh37 (hg19) VCF-style: chr14-50605158-C-T.
Identifiers: ClinVar variation 561604 (VCV000561604.1), dbSNP rs7147778, ClinGen allele CA13958692.